The following is an entry in ClinVar:

NM_013247.5(HTRA2):c.510C>T (p.His170=)

Gene: HTRA2 (HtrA serine peptidase 2; plus strand). Cytogenetic location: 2p13.1.
Variant type: single nucleotide variant.
Coding change: c.510C>T on transcript NM_013247.5 (MANE Select); coding-DNA position 510, C replaced by T.
Protein change: p.His170=; no amino-acid change (histidine 170 retained).
Molecular consequence: synonymous variant. On other transcripts: non-coding transcript variant (4).
Genome position (GRCh38, 1-based): chr2:74,530,620, C>T. VCF-style: chr2-74530620-C-T. GRCh37 (hg19) VCF-style: chr2-74757747-C-T.
Other names: c.510C>T, p.His170= (NM_001321727.1, NM_001321728.1, NM_145074.2).
Identifiers: ClinVar variation 741628 (VCV000741628.12), dbSNP rs200747610, ClinGen allele CA1728385.

ClinVar aggregate classification (germline): Likely benign. Review status: criteria provided, multiple submitters, no conflicts (2 of 4 stars). 2 submissions from 2 submitters: Likely benign (2). Last evaluated 2026-01-07.

Conditions:
Parkinson disease 13, autosomal dominant, susceptibility to. Identifiers: Orphanet 2828, MedGen C1853202, MONDO:0012466, OMIM 610297.

Allele frequency attached by ClinVar (database versions not stated): gnomAD exomes 0.00005 and 0.00011; ExAC 0.00012; ESP Exome Variant Server 0.00015; gnomAD 0.00052 and 0.00053; TOPMed 0.00060; 1000 Genomes Project 0.00080; 1000 Genomes Project 30x 0.00125.
gnomAD v4.1: 154 of 1,614,116 alleles (0.0095%); highest among the groups gnomAD compares: African/African-American, 0.17%; no homozygotes.

Submissions (2):

Labcorp Genetics (formerly Invitae), Labcorp
Classification: Likely benign. Last evaluated: 2026-01-07. Review status: criteria provided, single submitter. Criteria: Invitae Variant Classification Sherloc (09022015). Collection method: clinical testing. Allele origin: germline.

Illumina Laboratory Services, Illumina
Classification: Likely benign for Parkinson disease 13, autosomal dominant, susceptibility to. Last evaluated: 2018-01-13. Review status: criteria provided, single submitter. Criteria: ICSL Variant Classification Criteria 13 December 2019. Collection method: clinical testing. Allele origin: germline.
Comment: This variant was observed in the ICSL laboratory as part of a predisposition screen in an ostensibly healthy population. It had not been previously curated by ICSL or reported in the Human Gene Mutation Database (HGMD: prior to June 1st, 2018), and was therefore a candidate for classification through an automated scoring system. Utilizing variant allele frequency, disease prevalence and penetrance estimates, and inheritance mode, an automated score was calculated to assess if this variant is too frequent to cause the disease. Based on the score and internal cut-off values, a variant classified as likely benign is not then subjected to further curation. The score for this variant resulted in a classification of likely benign for this disease.